The following is an entry in ClinVar:

NM_001364857.2(ADGRB2):c.428G>A (p.Ser143Asn)

Gene: ADGRB2 (adhesion G protein-coupled receptor B2; minus strand). Cytogenetic location: 1p35.2.
Variant type: single nucleotide variant.
Coding change: c.428G>A on transcript NM_001364857.2 (MANE Select); coding-DNA position 428, G replaced by A.
Protein change: p.Ser143Asn; replaces serine 143 with asparagine.
Molecular consequence: missense variant.
Genome position (GRCh38, 1-based): chr1:31,756,409, C>T on the plus strand (G>A on the coding strand, the complement: ADGRB2 is on the minus strand). VCF-style: chr1-31756409-C-T. GRCh37 (hg19) VCF-style: chr1-32222010-C-T.
Other names: c.428G>A, p.Ser143Asn (NM_001294335.2, NM_001294336.2); short protein forms S143N.
Identifiers: ClinVar variation 3623081 (VCV003623081.2).

ClinVar aggregate classification (germline): Uncertain significance (1 of 4 stars; one submission).

gnomAD v4.1: 2 of 1,612,906 alleles (0.00012%); highest among the groups gnomAD compares: Non-Finnish European, 0.00017%; no homozygotes.

Submission:

Labcorp Genetics (formerly Invitae), Labcorp
Classification: Uncertain significance. Last evaluated: 2024-02-05. Review status: criteria provided, single submitter. Criteria: Invitae Variant Classification Sherloc (09022015). Collection method: clinical testing. Allele origin: germline.
Comment: This sequence change replaces serine, which is neutral and polar, with asparagine, which is neutral and polar, at codon 143 of the ADGRB2 protein (p.Ser143Asn). This variant is present in population databases (no rsID available, gnomAD 0.0009%). This variant has not been reported in the literature in individuals affected with ADGRB2-related conditions. An algorithm developed to predict the effect of missense changes on protein structure and function (PolyPhen-2) suggests that this variant is likely to be tolerated. In summary, the available evidence is currently insufficient to determine the role of this variant in disease. Therefore, it has been classified as a Variant of Uncertain Significance.